The following is an entry in ClinVar:

ClinVar aggregate classification (germline): Pathogenic. Review status: criteria provided, single submitter (1 of 4 stars). 2 submissions from 2 submitters: Pathogenic (1). 1 of the submissions does not count toward it. Last evaluated 2024-03-12.

Conditions:
Arrhythmogenic cardiomyopathy with wooly hair and keratoderma. Also called: Carvajal syndrome; Dilated cardiomyopathy with woolly hair and keratoderma; Arrhythmogenic cardiomyopathy with woolly hair and keratoderma; PALMOPLANTAR KERATODERMA WITH LEFT VENTRICULAR CARDIOMYOPATHY AND WOOLLY HAIR. Identifiers: Orphanet 65282, MedGen C1854063, MONDO:0011581, OMIM 605676.
Arrhythmogenic right ventricular dysplasia 8 (ARVD8). Also called: Arrhythmogenic Right Ventricular Dysplasia/Cardiomyopathy 8; ARRHYTHMOGENIC RIGHT VENTRICULAR CARDIOMYOPATHY 8; ARRHYTHMOGENIC RIGHT VENTRICULAR DYSPLASIA, FAMILIAL, 8. Identifiers: MedGen C1843896, MONDO:0011831, OMIM 607450.

Submissions (2):

Labcorp Genetics (formerly Invitae), Labcorp
Classification: Pathogenic for Arrhythmogenic cardiomyopathy with wooly hair and keratoderma; Arrhythmogenic right ventricular dysplasia 8. Last evaluated: 2024-03-12. Review status: criteria provided, single submitter. Criteria: Invitae Variant Classification Sherloc (09022015). Collection method: clinical testing. Allele origin: germline.
Comment: This sequence change creates a premature translational stop signal (p.Glu2728Glyfs*11) in the DSP gene. While this is not anticipated to result in nonsense mediated decay, it is expected to disrupt the last 144 amino acid(s) of the DSP protein. This variant is not present in population databases (gnomAD no frequency). This variant has not been reported in the literature in individuals affected with DSP-related conditions. ClinVar contains an entry for this variant (Variation ID: 199929). This variant disrupts a region of the DSP protein in which other variant(s) (p.Gln2730Serfs*16) have been determined to be pathogenic (PMID: 27532257, 28527814; Invitae). This suggests that this is a clinically significant region of the protein, and that variants that disrupt it are likely to be disease-causing. For these reasons, this variant has been classified as Pathogenic.

GeneDx
No classification provided. Review status: no classification provided. Criteria: GeneDx Variant Classification (06012015). Collection method: clinical testing. Allele origin: germline. Affected: yes. Not counted in ClinVar's aggregate classification.
Comment: The c.8182dupG variant in the DSP gene has not been published as a pathogenic variant or as a benign polymorphism to our knowledge. This variant was not observed in approximately 6,500 individuals of European and African American ancestry in the NHLBI Exome Sequencing Project, indicating it is not a common benign variant in these populations. This nucleotide insertion causes a shift in reading frame beginning with Glutamic acid 2728, changing it to a Glycine, and creating a premature stop codon at position 11 of the new reading frame (p.Glu2728Glyfsx11). This variant is expected to result in an abnormal, truncated protein product.

Literature cited by the submitters: PubMed 27532257 (cited by Labcorp Genetics (formerly Invitae), Labcorp); PubMed 28527814 (cited by Labcorp Genetics (formerly Invitae), Labcorp).

NM_004415.4(DSP):c.8182dup (p.Glu2728fs)

Gene: DSP (desmoplakin; plus strand). Cytogenetic location: 6p24.3.
Variant type: Duplication.
Coding change: c.8182dup on transcript NM_004415.4 (MANE Select); coding-DNA position 8182, one base duplicated (G; older notation c.8182dupG).
Protein change: p.Glu2728fs; shifts the reading frame from glutamic acid 2728.
Molecular consequence: frameshift variant.
Genome position (GRCh38, 1-based): chr6:7,585,444, G duplicated; the last of 2 consecutive G bases (chr6:7,585,443-7,585,444); duplicating either gives the same sequence. VCF-style (leftmost placement, unchanged base first): chr6-7585442-T-TG. GRCh37 (hg19) VCF-style: chr6-7585675-T-TG.
Other names: c.8182dup (LRG_423t1); c.6385dup, p.Glu2129fs (NM_001008844.3); c.6853dup, p.Glu2285fs (NM_001319034.2); short protein forms E2728fs, E2129fs, E2285fs.
Identifiers: ClinVar variation 199929 (VCV000199929.5), dbSNP rs1554109187, ClinGen allele CA303947.
Genomic context (GRCh38, chr6:7,585,442, plus strand): 5'-TGTCAGCAGCAGAGGCAGTGAAAGAAAAATGGCTCCCGTATGAGGCTGGCCAGCGCTTCC[T>TG]GGAGTTCCAGTACCTCACGGGAGGTCTTGTTGACCCGGAAGTGCATGGGAGGATAAGCAC-3'